The following is an entry in ClinVar:

NM_030665.4(RAI1):c.1109_1110del (p.Phe370fs)

Gene: RAI1 (retinoic acid induced 1; plus strand). Cytogenetic location: 17p11.2.
Variant type: Deletion.
Coding change: c.1109_1110del on transcript NM_030665.4 (MANE Select); coding-DNA positions 1109 to 1110, 2 bases deleted (TT; older notation c.1109_1110delTT).
Protein change: p.Phe370fs; shifts the reading frame from phenylalanine 370.
Molecular consequence: frameshift variant.
Genome position (GRCh38, 1-based): chr17:17,794,057-17,794,058, TT deleted; deleting any 2 consecutive bases within chr17:17,794,056-17,794,058 gives the same sequence; the c. name uses the placement nearest the transcript's 3' end. VCF-style (leftmost placement, unchanged base first): chr17-17794055-CTT-C. GRCh37 (hg19) VCF-style: chr17-17697369-CTT-C.
Other names: short protein forms F370fs.
Identifiers: ClinVar variation 4886548 (VCV004886548.2).

ClinVar aggregate classification (germline): Likely pathogenic (1 of 4 stars; one submission).

Submission:

Dasa
Classification: Likely pathogenic. Last evaluated: 2025-12-29. Review status: criteria provided, single submitter. Criteria: DASA Assertion Criteria. Collection method: clinical testing. Allele origin: germline.
Comment: NM_030665.4(RAI1):c.1109_1110del (p.Phe370Serfs*18) is a frameshift variant in RAI1 predicted to alter the reading frame and introduce a premature termination codon and is predicted to result in an absent or altered protein product. Loss of function is an established disease mechanism for RAI1 (PMID: 12652298; PMID: 15565467; PMID: 15788730). Also, this variant is rare in population databases. Based on the currently available evidence, this variant is classified as likely pathogenic.

Literature cited by the submitters: PubMed 12652298; PubMed 15565467; PubMed 15788730.